The following is an entry in ClinVar:

NM_005911.6(MAT2A):c.-7C>T

Gene: MAT2A (methionine adenosyltransferase 2A; plus strand). Cytogenetic location: 2p11.2.
Variant type: single nucleotide variant.
Coding change: c.-7C>T on transcript NM_005911.6 (MANE Select); 7 bases upstream of the start codon, C replaced by T.
Molecular consequence: 5 prime UTR variant.
Genome position (GRCh38, 1-based): chr2:85,539,281, C>T. VCF-style: chr2-85539281-C-T. GRCh37 (hg19) VCF-style: chr2-85766404-C-T.
Identifiers: ClinVar variation 513678 (VCV000513678.1), dbSNP rs375636333, ClinGen allele CA1741259.

ClinVar aggregate classification (germline): Likely benign (1 of 4 stars; one submission).

Allele frequency attached by ClinVar (database versions not stated): gnomAD exomes below 0.00001 and 0.00003; ExAC 0.00002; TOPMed 0.00003; gnomAD 0.00005; ESP Exome Variant Server 0.00008; 1000 Genomes Project 30x 0.00016.

Submission:

GeneDx
Classification: Likely benign. Last evaluated: 2017-12-05. Review status: criteria provided, single submitter. Criteria: GeneDx Variant Classification (06012015). Collection method: clinical testing. Allele origin: germline. Affected: yes.
Comment: This variant is considered likely benign or benign based on one or more of the following criteria: it is a conservative change, it occurs at a poorly conserved position in the protein, it is predicted to be benign by multiple in silico algorithms, and/or has population frequency not consistent with disease.